The following is an entry in ClinVar:

NM_006912.6(RIT1):c.326A>G (p.His109Arg)

Gene: RIT1 (Ras like without CAAX 1; minus strand). Cytogenetic location: 1q22.
Variant type: single nucleotide variant.
Coding change: c.326A>G on transcript NM_006912.6 (MANE Select); coding-DNA position 326, A replaced by G.
Protein change: p.His109Arg; replaces histidine 109 with arginine.
Molecular consequence: missense variant.
Genome position (GRCh38, 1-based): chr1:155,904,414, T>C on the plus strand (A>G on the coding strand, the complement: RIT1 is on the minus strand). VCF-style: chr1-155904414-T-C. GRCh37 (hg19) VCF-style: chr1-155874205-T-C.
Other names: c.218A>G, p.His73Arg (NM_001256820.2); c.377A>G, p.His126Arg (NM_001256821.2); c.326A>G (NM_006912.5); short protein forms H73R, H109R, H126R.
Identifiers: ClinVar variation 1462672 (VCV001462672.12), dbSNP rs1407666045, ClinGen allele CA342802506.

ClinVar aggregate classification (germline): Uncertain significance. Review status: criteria provided, multiple submitters, no conflicts (2 of 4 stars). 4 submissions from 4 submitters: Uncertain significance (4). Last evaluated 2024-11-27.

Conditions:
Cardiovascular phenotype. Identifiers: MedGen CN230736.
Noonan syndrome 8 (NS8). Identifiers: Orphanet 648, MedGen C3809233, MONDO:0014143, OMIM 615355.

Allele frequency attached by ClinVar (database versions not stated): gnomAD 0.00001; TOPMed 0.00002.
gnomAD v4.1: 8 of 1,613,890 alleles (0.0005%); highest among the groups gnomAD compares: African/African-American, 0.004%; no homozygotes.

Submissions (4):

Labcorp Genetics (formerly Invitae), Labcorp
Classification: Uncertain significance for Noonan syndrome 8. Last evaluated: 2024-11-27. Review status: criteria provided, single submitter. Criteria: Invitae Variant Classification Sherloc (09022015). Collection method: clinical testing. Allele origin: germline.
Comment: This sequence change replaces histidine, which is basic and polar, with arginine, which is basic and polar, at codon 109 of the RIT1 protein (p.His109Arg). This variant is not present in population databases (gnomAD no frequency). This variant has not been reported in the literature in individuals affected with RIT1-related conditions. ClinVar contains an entry for this variant (Variation ID: 1462672). Invitae Evidence Modeling incorporating data from in vitro experimental studies (internal data) indicates that this missense variant is not expected to disrupt RIT1 function with a negative predictive value of 95%. In summary, the available evidence is currently insufficient to determine the role of this variant in disease. Therefore, it has been classified as a Variant of Uncertain Significance.

Ambry Genetics
Classification: Uncertain significance for Cardiovascular phenotype. Last evaluated: 2024-09-23. Review status: criteria provided, single submitter. Criteria: Ambry Variant Classification Scheme 2023. Collection method: clinical testing. Allele origin: germline.
Comment: The p.H109R variant (also known as c.326A>G), located in coding exon 4 of the RIT1 gene, results from an A to G substitution at nucleotide position 326. The histidine at codon 109 is replaced by arginine, an amino acid with highly similar properties. This amino acid position is conserved. In addition, this alteration is predicted to be tolerated by in silico analysis. Since supporting evidence is limited at this time, the clinical significance of this alteration remains unclear.

GeneDx
Classification: Uncertain significance. Last evaluated: 2024-05-30. Review status: criteria provided, single submitter. Criteria: GeneDx Variant Classification Process June 2021. Collection method: clinical testing. Allele origin: germline. Affected: yes.
Comment: Has not been previously published as pathogenic or benign to our knowledge; Not observed at significant frequency in large population cohorts (gnomAD); In silico analysis indicates that this missense variant does not alter protein structure/function

Genome-Nilou Lab
Classification: Uncertain significance for Noonan syndrome 8. Last evaluated: 2023-04-11. Review status: criteria provided, single submitter. Criteria: ACMG Guidelines, 2015. Collection method: clinical testing. Allele origin: germline. Affected: no.